The following is an entry in ClinVar:

NM_004370.6(COL12A1):c.9165C>T (p.Asn3055=)

Gene: COL12A1 (collagen type XII alpha 1 chain; minus strand). Cytogenetic location: 6q13.
Variant type: single nucleotide variant.
Coding change: c.9165C>T on transcript NM_004370.6 (MANE Select); coding-DNA position 9165, C replaced by T.
Protein change: p.Asn3055=; no amino-acid change (asparagine 3055 retained).
Molecular consequence: synonymous variant.
Genome position (GRCh38, 1-based): chr6:75,087,593, G>A on the plus strand (C>T on the coding strand, the complement: COL12A1 is on the minus strand). VCF-style: chr6-75087593-G-A. GRCh37 (hg19) VCF-style: chr6-75797309-G-A.
Other names: p.Asn3055=; c.5673C>T, p.Asn1891= (NM_080645.3).
Identifiers: ClinVar variation 707277 (VCV000707277.13), dbSNP rs369646700, ClinGen allele CA3892011.

ClinVar aggregate classification (germline): Likely benign. Review status: criteria provided, multiple submitters, no conflicts (2 of 4 stars). 3 submissions from 3 submitters: Likely benign (3). Last evaluated 2026-01-21.

Conditions:
Ullrich congenital muscular dystrophy 2 (UCMD2). Identifiers: Orphanet 75840, MedGen C4225314, MONDO:0014654, OMIM 616470.
Bethlem myopathy 2 (BTHLM2). Identifiers: Orphanet 536516, Orphanet 610, MedGen C4225313, MONDO:0034022, OMIM 616471.

Allele frequency attached by ClinVar (database versions not stated): gnomAD 0.00013 and 0.00011; ExAC 0.00021; gnomAD exomes 0.00026 and 0.00018; 1000 Genomes Project 30x 0.00016; 1000 Genomes Project 0.00020; ESP Exome Variant Server 0.00008; TOPMed 0.00009.
gnomAD v4.1: 284 of 1,613,776 alleles (0.018%); highest among the groups gnomAD compares: South Asian, 0.14%; 6 homozygotes.

Submissions (3):

Labcorp Genetics (formerly Invitae), Labcorp
Classification: Likely benign for Bethlem myopathy 2; Ullrich congenital muscular dystrophy 2. Last evaluated: 2026-01-21. Review status: criteria provided, single submitter. Criteria: Invitae Variant Classification Sherloc (09022015). Collection method: clinical testing. Allele origin: germline.

Mayo Clinic Laboratories, Mayo Clinic
Classification: Likely benign. Last evaluated: 2025-03-19. Review status: criteria provided, single submitter. Criteria: ACMG Guidelines, 2015. Collection method: clinical testing. Allele origin: germline. Observed: 3 variant alleles.
Comment: BS1, BP4, BP7

GeneDx
Classification: Likely benign. Last evaluated: 2020-04-08. Review status: criteria provided, single submitter. Criteria: GeneDx Variant Classification Process June 2021. Collection method: clinical testing. Allele origin: germline. Affected: yes.
Comment: See Variant Classification Assertion Criteria.